The following is an entry in ClinVar:

ClinVar aggregate classification (germline): Uncertain significance. Review status: criteria provided, multiple submitters, no conflicts (2 of 4 stars). 2 submissions from 2 submitters: Uncertain significance (2). Last evaluated 2025-12-16.

Conditions:
Peroxisome biogenesis disorder. Identifiers: Orphanet 79189, MedGen C1832200, MONDO:0019234. Disease mechanism: loss of function.
Inborn genetic diseases. Identifiers: MedGen C0950123, MeSH D030342.

Allele frequency attached by ClinVar (database versions not stated): TOPMed 0.00004; gnomAD 0.00001.
gnomAD v4.1: 3 of 1,610,532 alleles (0.00019%); highest among the groups gnomAD compares: African/African-American, 0.004%; no homozygotes.

Submissions (2):

Ambry Genetics
Classification: Uncertain significance for Inborn genetic diseases. Last evaluated: 2025-12-16. Review status: criteria provided, single submitter. Criteria: Ambry Variant Classification Scheme 2023. Collection method: clinical testing. Allele origin: germline.
Comment: The c.1544T>C (p.F515S) alteration is located in exon 7 (coding exon 7) of the PEX6 gene. This alteration results from a T to C substitution at nucleotide position 1544, causing the phenylalanine (F) at amino acid position 515 to be replaced by a serine (S). Based on data from gnomAD, the C allele has an overall frequency of 0.001% (2/237166) total alleles studied. The highest observed frequency was 0.013% (2/15032) of African alleles. Based on insufficient or conflicting evidence, the clinical significance of this alteration remains unclear.

Labcorp Genetics (formerly Invitae), Labcorp
Classification: Uncertain significance for Peroxisome biogenesis disorder. Last evaluated: 2023-12-18. Review status: criteria provided, single submitter. Criteria: Invitae Variant Classification Sherloc (09022015). Collection method: clinical testing. Allele origin: germline.
Comment: This sequence change replaces phenylalanine, which is neutral and non-polar, with serine, which is neutral and polar, at codon 515 of the PEX6 protein (p.Phe515Ser). This variant is present in population databases (rs778534336, gnomAD 0.01%). This variant has not been reported in the literature in individuals affected with PEX6-related conditions. ClinVar contains an entry for this variant (Variation ID: 1969351). Advanced modeling of protein sequence and biophysical properties (such as structural, functional, and spatial information, amino acid conservation, physicochemical variation, residue mobility, and thermodynamic stability) has been performed at Invitae for this missense variant, however the output from this modeling did not meet the statistical confidence thresholds required to predict the impact of this variant on PEX6 protein function. In summary, the available evidence is currently insufficient to determine the role of this variant in disease. Therefore, it has been classified as a Variant of Uncertain Significance.

NM_000287.4(PEX6):c.1544T>C (p.Phe515Ser)

Gene: PEX6 (peroxisomal biogenesis factor 6; minus strand). Cytogenetic location: 6p21.1.
Variant type: single nucleotide variant.
Coding change: c.1544T>C on transcript NM_000287.4 (MANE Select); coding-DNA position 1544, T replaced by C.
Protein change: p.Phe515Ser; replaces phenylalanine 515 with serine.
Molecular consequence: missense variant. On other transcripts: non-coding transcript variant (1).
Genome position (GRCh38, 1-based): chr6:42,968,434, A>G on the plus strand (T>C on the coding strand, the complement: PEX6 is on the minus strand). VCF-style: chr6-42968434-A-G. GRCh37 (hg19) VCF-style: chr6-42936172-A-G.
Other names: c.1280T>C, p.Phe427Ser (NM_001316313.2); c.1544T>C (NM_000287.3); short protein forms F427S, F515S.
Identifiers: ClinVar variation 1969351 (VCV001969351.4), dbSNP rs778534336, ClinGen allele CA3811301.